The following is an entry in ClinVar:

NM_024675.4(PALB2):c.672A>G (p.Pro224=)

Gene: PALB2 (partner and localizer of BRCA2; minus strand). Cytogenetic location: 16p12.2.
Variant type: single nucleotide variant.
Coding change: c.672A>G on transcript NM_024675.4 (MANE Select); coding-DNA position 672, A replaced by G.
Protein change: p.Pro224=; no amino-acid change (proline 224 retained).
Molecular consequence: synonymous variant. On other transcripts: 5 prime UTR variant (8), intron variant (3).
Genome position (GRCh38, 1-based): chr16:23,635,874, T>C on the plus strand (A>G on the coding strand, the complement: PALB2 is on the minus strand). VCF-style: chr16-23635874-T-C. GRCh37 (hg19) VCF-style: chr16-23647195-T-C.
Other names: c.672A>G, p.Pro224= (NM_001407298.1, NM_001407301.1, NM_001407302.1 and 3 more transcripts); c.-214A>G (NM_001407304.1, NM_001407305.1, NM_001407306.1 and 5 more transcripts); c.612A>G, p.Pro204= (NM_001407296.1); c.48+5236A>G (NM_001407314.1); c.-105+5236A>G (NM_001407313.1, NM_001407312.1).
Identifiers: ClinVar variation 2774021 (VCV002774021.3), dbSNP rs2142437718, ClinGen allele CA494461875.

ClinVar aggregate classification (germline): Benign/Likely benign. Review status: criteria provided, multiple submitters, no conflicts (2 of 4 stars). 2 submissions from 2 submitters: Benign (1); Likely benign (1). Last evaluated 2025-01-10.

Conditions:
Hereditary cancer-predisposing syndrome. Also called: Hereditary neoplastic syndrome; Hereditary Cancer Syndrome; Neoplastic Syndromes, Hereditary; Tumor predisposition. Identifiers: Orphanet 140162, MedGen C0027672, MeSH D009386, MONDO:0015356.
Familial cancer of breast. Also called: hereditary breast carcinoma; BREAST CANCER, FAMILIAL; Hereditary breast cancer. Identifiers: Orphanet 227535, MedGen C0346153, MONDO:0016419, OMIM 114480. Disease mechanism: loss of function.

Submissions (2):

Myriad Genetics, Inc.
Classification: Benign for Familial cancer of breast. Last evaluated: 2025-01-10. Review status: criteria provided, single submitter. Criteria: Myriad Autosomal Dominant, Autosomal Recessive and X-Linked Classification Criteria (2023). Collection method: clinical testing. Allele origin: unknown.
Comment: This variant is considered benign. This variant is a silent/synonymous amino acid change and it is not expected to impact splicing.

Color Diagnostics, LLC DBA Color Health
Classification: Likely benign for Hereditary cancer-predisposing syndrome. Last evaluated: 2022-10-31. Review status: criteria provided, single submitter. Criteria: ACMG Guidelines, 2015. Collection method: clinical testing. Allele origin: germline.